The following is an entry in ClinVar:

ClinVar aggregate classification (germline): Uncertain significance (1 of 4 stars; one submission).

Conditions:
Primary ciliary dyskinesia. Also called: Ciliary dyskinesia. Identifiers: Orphanet 244, MedGen C0008780, MONDO:0016575, HP:0012265.

gnomAD v4.1: 1 of 1,613,672 alleles (0.000062%); highest among the groups gnomAD compares: South Asian, 0.0011%; no homozygotes.

Submission:

Labcorp Genetics (formerly Invitae), Labcorp
Classification: Uncertain significance for Primary ciliary dyskinesia. Last evaluated: 2024-04-10. Review status: criteria provided, single submitter. Criteria: Invitae Variant Classification Sherloc (09022015). Collection method: clinical testing. Allele origin: germline.
Comment: This sequence change replaces valine, which is neutral and non-polar, with alanine, which is neutral and non-polar, at codon 2957 of the DNAH5 protein (p.Val2957Ala). This variant is not present in population databases (gnomAD no frequency). This variant has not been reported in the literature in individuals affected with DNAH5-related conditions. Advanced modeling of protein sequence and biophysical properties (such as structural, functional, and spatial information, amino acid conservation, physicochemical variation, residue mobility, and thermodynamic stability) performed at Invitae indicates that this missense variant is not expected to disrupt DNAH5 protein function with a negative predictive value of 95%. In summary, the available evidence is currently insufficient to determine the role of this variant in disease. Therefore, it has been classified as a Variant of Uncertain Significance.

NM_001369.3(DNAH5):c.8870T>C (p.Val2957Ala)

Gene: DNAH5 (dynein axonemal heavy chain 5; minus strand). Cytogenetic location: 5p15.2.
Variant type: single nucleotide variant.
Coding change: c.8870T>C on transcript NM_001369.3 (MANE Select); coding-DNA position 8870, T replaced by C.
Protein change: p.Val2957Ala; replaces valine 2957 with alanine.
Molecular consequence: missense variant.
Genome position (GRCh38, 1-based): chr5:13,780,910, A>G on the plus strand (T>C on the coding strand, the complement: DNAH5 is on the minus strand). VCF-style: chr5-13780910-A-G. GRCh37 (hg19) VCF-style: chr5-13781019-A-G.
Other names: short protein forms V2957A.
Identifiers: ClinVar variation 3702116 (VCV003702116.2).
Genomic context (GRCh38, chr5:13,780,910, plus strand): 5'-GAAACGTAGCCAGCAATGAATGAAGCCAACCTCGTCAGGCTCTGCTTTCCTGATCCGCCC[A>G]CCCCGACCAGGAGGGCATTTCCCTGAGGAGTACGAATGACACGAGAGATCTGTAATATGG-3'
Protein context (NP_001360.1, residues 2947-2967): TPQGNALLVG[Val2957Ala]GGSGKQSLTR